The following is an entry in ClinVar:

ClinVar aggregate classification (germline): Uncertain significance (1 of 4 stars; one submission).

Submission:

Labcorp Genetics (formerly Invitae), Labcorp
Classification: Uncertain significance. Last evaluated: 2023-07-17. Review status: criteria provided, single submitter. Criteria: Invitae Variant Classification Sherloc (09022015). Collection method: clinical testing. Allele origin: germline.
Comment: In summary, the available evidence is currently insufficient to determine the role of this variant in disease. Therefore, it has been classified as a Variant of Uncertain Significance. An algorithm developed to predict the effect of missense changes on protein structure and function (PolyPhen-2) suggests that this variant is likely to be disruptive. This variant has not been reported in the literature in individuals affected with MSH3-related conditions. This variant is not present in population databases (gnomAD no frequency). This sequence change replaces lysine, which is basic and polar, with asparagine, which is neutral and polar, at codon 99 of the MSH3 protein (p.Lys99Asn).

NM_002439.5(MSH3):c.297G>C (p.Lys99Asn)

Gene: MSH3 (mutS homolog 3; plus strand). Cytogenetic location: 5q14.1.
Variant type: single nucleotide variant.
Coding change: c.297G>C on transcript NM_002439.5 (MANE Select); coding-DNA position 297, G replaced by C.
Protein change: p.Lys99Asn; replaces lysine 99 with asparagine.
Molecular consequence: missense variant.
Genome position (GRCh38, 1-based): chr5:80,656,470, G>C. VCF-style: chr5-80656470-G-C. GRCh37 (hg19) VCF-style: chr5-79952289-G-C.
Other names: short protein forms K99N.
Identifiers: ClinVar variation 2744229 (VCV002744229.3), dbSNP rs2112801691, ClinGen allele CA360266306.
Genomic context (GRCh38, chr5:80,656,470, plus strand): 5'-GGCTACAGAAATTGACAGAAGAAAGAAGAGACCATTGGAAAATGATGGGCCTGTTAAAAA[G>C]AAAGTAAAGAAAGTCCAACAAAAGGAAGGAGGAAGTGATCTGGGAATGTCTGGCAACTCT-3'
Protein context (NP_002430.3, residues 89-109): RPLENDGPVK[Lys99Asn]KVKKVQQKEG